The following is an entry in ClinVar:

ClinVar aggregate classification (germline): Uncertain significance (1 of 4 stars; one submission).

Submission:

Quest Diagnostics Nichols Institute San Juan Capistrano
Classification: Uncertain significance. Last evaluated: 2023-04-14. Review status: criteria provided, single submitter. Criteria: Quest Diagnostics criteria. Collection method: clinical testing. Allele origin: unknown.
Comment: This variant has not been reported in the published literature. It also has not been reported in large, multi-ethnic general populations. Analysis of this variant using bioinformatics tools for the prediction of the effect of amino acid changes on protein structure and function yielded predictions that this variant is damaging. Based on the available information, we are unable to determine the clinical significance of this variant.

NM_000552.5(VWF):c.3830A>T (p.Asp1277Val)

Gene: VWF (von Willebrand factor; minus strand). Cytogenetic location: 12p13.31.
Variant type: single nucleotide variant.
Coding change: c.3830A>T on transcript NM_000552.5 (MANE Select); coding-DNA position 3830, A replaced by T.
Protein change: p.Asp1277Val; replaces aspartic acid 1277 with valine.
Molecular consequence: missense variant.
Genome position (GRCh38, 1-based): chr12:6,019,588, T>A on the plus strand (A>T on the coding strand, the complement: VWF is on the minus strand). VCF-style: chr12-6019588-T-A. GRCh37 (hg19) VCF-style: chr12-6128754-T-A.
Other names: short protein forms D1277V.
Identifiers: ClinVar variation 2682108 (VCV002682108.1), dbSNP rs2497517771, ClinGen allele CA383506910.